The following is an entry in ClinVar:

ClinVar aggregate classification (germline): Conflicting classifications of pathogenicity. Review status: criteria provided, conflicting classifications (1 of 4 stars). 2 submissions from 2 submitters: Uncertain significance (1); Likely benign (1). Last evaluated 2024-09-03.

Conditions:
Jeune thoracic dystrophy. Also called: Jeune syndrome; Infantile thoracic dystrophy; Thoracic pelvic phalangeal dystrophy; Jeune's syndrome; Chondroectodermal dysplasia-like syndrome; Short-rib thoracic dysplasia. Identifiers: Orphanet 474, MedGen C0265275, MONDO:0018770.

Allele frequency attached by ClinVar (database versions not stated): gnomAD 0.00004 and 0.00005; gnomAD exomes 0.00005; TOPMed 0.00012; ESP Exome Variant Server 0.00017.
gnomAD v4.1: 79 of 1,480,798 alleles (0.0053%); highest among the groups gnomAD compares: Admixed American, 0.0085%; no homozygotes.

Submissions (2):

Blueprint Genetics
Classification: Likely benign. Last evaluated: 2024-09-03. Review status: criteria provided, single submitter. Criteria: ACMG Guidelines, 2015. Collection method: clinical testing. Allele origin: germline.

Labcorp Genetics (formerly Invitae), Labcorp
Classification: Uncertain significance for Jeune thoracic dystrophy. Last evaluated: 2022-07-19. Review status: criteria provided, single submitter. Criteria: Invitae Variant Classification Sherloc (09022015). Collection method: clinical testing. Allele origin: germline.
Comment: This sequence change falls in intron 33 of the DYNC2H1 gene. It does not directly change the encoded amino acid sequence of the DYNC2H1 protein. It affects a nucleotide within the consensus splice site. This variant is present in population databases (rs372549709, gnomAD 0.01%). This variant has not been reported in the literature in individuals affected with DYNC2H1-related conditions. ClinVar contains an entry for this variant (Variation ID: 407164). Variants that disrupt the consensus splice site are a relatively common cause of aberrant splicing (PMID: 17576681, 9536098). Algorithms developed to predict the effect of sequence changes on RNA splicing suggest that this variant is not likely to affect RNA splicing. In summary, the available evidence is currently insufficient to determine the role of this variant in disease. Therefore, it has been classified as a Variant of Uncertain Significance.

Literature cited by the submitters: PubMed 17576681 (cited by Labcorp Genetics (formerly Invitae), Labcorp); PubMed 9536098 (cited by Labcorp Genetics (formerly Invitae), Labcorp).

NM_001377.3(DYNC2H1):c.5152-3A>C

Gene: DYNC2H1 (dynein cytoplasmic 2 heavy chain 1; plus strand). Cytogenetic location: 11q22.3.
Variant type: single nucleotide variant.
Coding change: c.5152-3A>C on transcript NM_001377.3 (MANE Select); 3 bases into the intron before coding-DNA position 5152, A replaced by C.
Molecular consequence: intron variant.
Genome position (GRCh38, 1-based): chr11:103,170,883, A>C. VCF-style: chr11-103170883-A-C. GRCh37 (hg19) VCF-style: chr11-103041612-A-C.
Other names: c.5152-3A>C (NM_001080463.2).
Identifiers: ClinVar variation 407164 (VCV000407164.7), dbSNP rs372549709, ClinGen allele CA6253710.